The following is an entry in ClinVar:

NM_002230.4(JUP):c.1_6del (p.Met1_Glu2del)

Gene: JUP (junction plakoglobin; minus strand). Cytogenetic location: 17q21.2.
Variant type: Deletion.
Coding change: c.1_6del on transcript NM_002230.4 (MANE Select); coding-DNA positions 1 to 6, 6 bases deleted (ATGGAG; older notation c.1_6delATGGAG).
Protein change: p.Met1_Glu2del.
Molecular consequence: inframe deletion, initiator codon variant.
Genome position (GRCh38, 1-based): chr17:41,771,849-41,771,854, CTCCAT deleted on the plus strand (ATGGAG on the coding strand, the reverse complement: JUP is on the minus strand); deleting any 6 consecutive bases within chr17:41,771,849-41,771,855 gives the same sequence; the c. name uses the placement nearest the transcript's 3' end. VCF-style (leftmost placement, unchanged base first): chr17-41771848-CCTCCAT-C. GRCh37 (hg19) VCF-style: chr17-39928100-CCTCCAT-C.
Other names: c.1_6del, p.Met1_Glu2del (NM_001352773.2, NM_001352774.2, NM_001352775.2 and 3 more transcripts).
Identifiers: ClinVar variation 835563 (VCV000835563.10), dbSNP rs1916704473, ClinGen allele CA916081886.

ClinVar aggregate classification (germline): Uncertain significance (1 of 4 stars; one submission).

Conditions:
Naxos disease (NXD). Also called: KERATOSIS PALMOPLANTARIS WITH ARRHYTHMOGENIC CARDIOMYOPATHY; MAL DE NAXOS; PALMOPLANTAR KERATODERMA WITH ARRHYTHMOGENIC RIGHT VENTRICULAR CARDIOMYOPATHY AND WOOLLY HAIR; WOOLLY HAIR, PALMOPLANTAR KERATODERMA, AND CARDIAC ABNORMALITIES; CARDIOMYOPATHY, ARRHYTHMOGENIC RIGHT VENTRICULAR, WITH SKIN, HAIR, AND NAIL ABNORMALITIES. Identifiers: Orphanet 34217, MedGen C1832600, MONDO:0011017, OMIM 601214.
Arrhythmogenic right ventricular dysplasia 12. Also called: ARRHYTHMOGENIC RIGHT VENTRICULAR DYSPLASIA, FAMILIAL, 12. Identifiers: MedGen C1969081, MONDO:0012684, OMIM 611528.

Submission:

Labcorp Genetics (formerly Invitae), Labcorp
Classification: Uncertain significance for Arrhythmogenic right ventricular dysplasia 12; Naxos disease. Last evaluated: 2025-12-14. Review status: criteria provided, single submitter. Criteria: Invitae Variant Classification Sherloc (09022015). Collection method: clinical testing. Allele origin: germline.
Comment: This sequence change affects the initiator codon of the JUP mRNA. This change may impact translation initiation or efficiency. The next in-frame methionine is located at codon 4. This variant is not present in population databases (gnomAD no frequency). This variant has not been reported in the literature in individuals affected with JUP-related conditions. ClinVar contains an entry for this variant (Variation ID: 835563). In summary, the available evidence is currently insufficient to determine the role of this variant in disease. Therefore, it has been classified as a Variant of Uncertain Significance.